The following is an entry in ClinVar:

NM_001458.5(FLNC):c.4588A>C (p.Lys1530Gln)

Gene: FLNC (filamin C; plus strand). Cytogenetic location: 7q32.1.
Variant type: single nucleotide variant.
Coding change: c.4588A>C on transcript NM_001458.5 (MANE Select); coding-DNA position 4588, A replaced by C.
Protein change: p.Lys1530Gln; replaces lysine 1530 with glutamine.
Molecular consequence: missense variant.
Genome position (GRCh38, 1-based): chr7:128,848,568, A>C. VCF-style: chr7-128848568-A-C. GRCh37 (hg19) VCF-style: chr7-128488622-A-C.
Other names: c.4588A>C, p.Lys1530Gln (NM_001127487.2); short protein forms K1530Q.
Identifiers: ClinVar variation 3066133 (VCV003066133.1), dbSNP rs1228927564, ClinGen allele CA369202086.
Genomic context (GRCh38, chr7:128,848,568, plus strand): 5'-CACCGCCCCGTCCATGCCACCCAGCCAACTGTTTATCCCTTCTGCTCCTCAAGCCCCTTC[A>C]AGATCAAGGTCCTCCCAGCTCATGATGCCAGCAAGGTGCGGGCCAGCGGCCCAGGCCTCA-3'
Protein context (NP_001449.3, residues 1520-1540): ADQEVPRSPF[Lys1530Gln]IKVLPAHDAS

ClinVar aggregate classification (germline): Uncertain significance (1 of 4 stars; one submission).

Conditions:
Hypertrophic cardiomyopathy 26. Also called: Cardiomyopathy, familial hypertrophic, 26. Identifiers: Orphanet 75249, MedGen C4310749, MONDO:0014883, OMIM 617047.

Allele frequency attached by ClinVar (database versions not stated): gnomAD exomes below 0.00001; TOPMed below 0.00001; gnomAD 0.00001.
gnomAD v4.1: 2 of 1,613,762 alleles (0.00012%); highest among the groups gnomAD compares: Non-Finnish European, 0.00017%; no homozygotes.

Submission:

MVZ Medizinische Genetik Mainz
Classification: Uncertain significance for Hypertrophic cardiomyopathy 26. Last evaluated: 2021-10-08. Review status: criteria provided, single submitter. Criteria: UK Practice Guidelines For Variant Classification V4 01 2020. Collection method: clinical testing. Allele origin: germline. Inheritance: Autosomal dominant inheritance. Affected: yes. Observed: 1 variant allele.
Comment: ACMG Criteria: PM2_SUP, PP3